The following is an entry in ClinVar:

NM_053025.4(MYLK):c.568C>T (p.Pro190Ser)

Gene: MYLK (myosin light chain kinase; minus strand). Cytogenetic location: 3q21.1.
Variant type: single nucleotide variant.
Coding change: c.568C>T on transcript NM_053025.4 (MANE Select); coding-DNA position 568, C replaced by T.
Protein change: p.Pro190Ser; replaces proline 190 with serine.
Molecular consequence: missense variant.
Genome position (GRCh38, 1-based): chr3:123,738,917, G>A on the plus strand (C>T on the coding strand, the complement: MYLK is on the minus strand). VCF-style: chr3-123738917-G-A. GRCh37 (hg19) VCF-style: chr3-123457764-G-A.
Other names: c.40C>T, p.Pro14Ser (NM_001321309.2); c.568C>T, p.Pro190Ser (NM_053026.4, NM_053027.4, NM_053028.4); short protein forms P190S, P14S.
Identifiers: ClinVar variation 571192 (VCV000571192.8), dbSNP rs1560155884, ClinGen allele CA354241607.

ClinVar aggregate classification (germline): Uncertain significance (1 of 4 stars; one submission).

Conditions:
Aortic aneurysm, familial thoracic 7 (AAT7). Also called: AORTIC DISSECTION, FAMILIAL, WITH OR WITHOUT AORTIC ANEURYSM. Identifiers: MedGen C3151077, MONDO:0013418, OMIM 613780.

Allele frequency attached by ClinVar (database versions not stated): gnomAD exomes below 0.00001.
gnomAD v4.1: 3 of 1,611,846 alleles (0.00019%); highest among the groups gnomAD compares: Non-Finnish European, 0.00017%; no homozygotes.

Submission:

Labcorp Genetics (formerly Invitae), Labcorp
Classification: Uncertain significance for Aortic aneurysm, familial thoracic 7. Last evaluated: 2022-07-05. Review status: criteria provided, single submitter. Criteria: Invitae Variant Classification Sherloc (09022015). Collection method: clinical testing. Allele origin: germline.
Comment: Advanced modeling of protein sequence and biophysical properties (such as structural, functional, and spatial information, amino acid conservation, physicochemical variation, residue mobility, and thermodynamic stability) performed at Invitae indicates that this missense variant is not expected to disrupt MYLK protein function. ClinVar contains an entry for this variant (Variation ID: 571192). This variant has not been reported in the literature in individuals affected with MYLK-related conditions. This variant is not present in population databases (gnomAD no frequency). This sequence change replaces proline, which is neutral and non-polar, with serine, which is neutral and polar, at codon 190 of the MYLK protein (p.Pro190Ser). In summary, the available evidence is currently insufficient to determine the role of this variant in disease. Therefore, it has been classified as a Variant of Uncertain Significance.